The following is an entry in ClinVar:

ClinVar aggregate classification (germline): Pathogenic (1 of 4 stars; one submission).

Conditions:
Fanconi anemia (FA). Also called: Fanconi's anemia. Identifiers: Orphanet 84, MedGen C0015625, MeSH D005199, MONDO:0019391.

Submission:

Labcorp Genetics (formerly Invitae), Labcorp
Classification: Pathogenic for Fanconi anemia. Last evaluated: 2023-01-12. Review status: criteria provided, single submitter. Criteria: Invitae Variant Classification Sherloc (09022015). Collection method: clinical testing. Allele origin: germline.
Comment: This sequence change creates a premature translational stop signal (p.Glu420Glyfs*106) in the FANCA gene. It is expected to result in an absent or disrupted protein product. Loss-of-function variants in FANCA are known to be pathogenic (PMID: 19367192). This variant is not present in population databases (gnomAD no frequency). This variant has not been reported in the literature in individuals affected with FANCA-related conditions. For these reasons, this variant has been classified as Pathogenic.

Literature cited by the submitters: PubMed 19367192.

NM_000135.4(FANCA):c.1259del (p.Glu420fs)

Gene: FANCA (FA complementation group A; minus strand). Cytogenetic location: 16q24.3.
Variant type: Deletion.
Coding change: c.1259del on transcript NM_000135.4 (MANE Select); coding-DNA position 1259, one base deleted (A; older notation c.1259delA).
Protein change: p.Glu420fs; shifts the reading frame from glutamic acid 420.
Molecular consequence: frameshift variant.
Genome position (GRCh38, 1-based): chr16:89,791,503, T deleted on the plus strand (A on the coding strand, the reverse complement: FANCA is on the minus strand). VCF-style (leftmost placement, unchanged base first): chr16-89791502-CT-C. GRCh37 (hg19) VCF-style: chr16-89857910-CT-C.
Other names: c.1259del, p.Glu420fs (NM_001286167.3); short protein forms E420fs.
Identifiers: ClinVar variation 2027170 (VCV002027170.4), dbSNP rs2544270836, ClinGen allele CA2580092334.
Genomic context (GRCh38, chr16:89,791,502, plus strand): 5'-CTCCAGTGCTGCCTGGCGCACAACCAGGAACGCAGTGACCATGCTGTCCAGCTGGCAGCT[CT>C]CGAATGCCTGGGCCATCAAACGCGCCACCCAGTCTAGTTAAGAACCATGACATAGTCACA-3'